The following is an entry in ClinVar:

NM_001003787.4(STRADA):c.1141C>T (p.Gln381Ter)

Gene: STRADA (STE20 related adaptor alpha; minus strand). Cytogenetic location: 17q23.3.
Variant type: single nucleotide variant.
Coding change: c.1141C>T on transcript NM_001003787.4 (MANE Select); coding-DNA position 1141, C replaced by T.
Protein change: p.Gln381Ter; replaces glutamine 381 with a stop codon.
Molecular consequence: nonsense. On other transcripts: 3 prime UTR variant (6), non-coding transcript variant (1), intron variant (1).
Genome position (GRCh38, 1-based): chr17:63,704,007, G>A on the plus strand (C>T on the coding strand, the complement: STRADA is on the minus strand). VCF-style: chr17-63704007-G-A. GRCh37 (hg19) VCF-style: chr17-61781367-G-A.
Other names: c.1030C>T, p.Gln344Ter (NM_001003786.3); c.967C>T, p.Gln323Ter (NM_001003788.3); c.*18C>T (NM_001165969.2, NM_001165970.2, NM_001363788.1 and 2 more transcripts); c.1117C>T, p.Gln373Ter (NM_001363786.1); c.1054C>T, p.Gln352Ter (NM_001363787.1); c.*276C>T (NM_153335.6); c.836-256C>T (NM_001363790.1); short protein forms Q344*, Q352*, Q373*, Q381*, Q323*.
Identifiers: ClinVar variation 949157 (VCV000949157.7), dbSNP rs1793806473, ClinGen allele CA400585899.

ClinVar aggregate classification (germline): Uncertain significance (1 of 4 stars; one submission).

Conditions:
Polyhydramnios, megalencephaly, and symptomatic epilepsy (PMSE). Also called: PMSE SYNDROME. Identifiers: Orphanet 500533, MedGen C1970203, MONDO:0012611, OMIM 611087.

Allele frequency attached by ClinVar (database versions not stated): gnomAD exomes below 0.00001.
gnomAD v4.1: 3 of 1,614,066 alleles (0.00019%); highest among the groups gnomAD compares: Non-Finnish European, 0.00025%; no homozygotes.

Submission:

Labcorp Genetics (formerly Invitae), Labcorp
Classification: Uncertain significance for Polyhydramnios, megalencephaly, and symptomatic epilepsy. Last evaluated: 2019-05-15. Review status: criteria provided, single submitter. Criteria: Invitae Variant Classification Sherloc (09022015). Collection method: clinical testing. Allele origin: germline.
Comment: In summary, the available evidence is currently insufficient to determine the role of this variant in disease. Therefore, it has been classified as a Variant of Uncertain Significance. Algorithms developed to predict the effect of sequence changes on RNA splicing suggest that this variant may create or strengthen a splice site, but this prediction has not been confirmed by published transcriptional studies. This variant has not been reported in the literature in individuals with STRADA-related conditions. This variant is not present in population databases (ExAC no frequency). This sequence change results in a premature translational stop signal in the STRADA gene (p.Gln381*). While this is not anticipated to result in nonsense mediated decay, it is expected to disrupt the last 51 amino acids of the STRADA protein.